The following is an entry in ClinVar:

ClinVar aggregate classification (germline): Uncertain significance (1 of 4 stars; one submission).

Conditions:
Inborn genetic diseases. Identifiers: MedGen C0950123, MeSH D030342.

Submission:

Ambry Genetics
Classification: Uncertain significance for Inborn genetic diseases. Last evaluated: 2025-03-17. Review status: criteria provided, single submitter. Criteria: Ambry Variant Classification Scheme 2023. Collection method: clinical testing. Allele origin: germline.
Comment: The p.P223S variant (also known as c.667C>T), located in coding exon 4 of the KDM1A gene, results from a C to T substitution at nucleotide position 667. The proline at codon 223 is replaced by serine, an amino acid with similar properties. This amino acid position is conserved. In addition, this alteration is predicted to be tolerated by in silico analysis. Based on the available evidence, the clinical significance of this variant remains unclear.

NM_001009999.3(KDM1A):c.667C>T (p.Pro223Ser)

Gene: KDM1A (lysine demethylase 1A; plus strand). Cytogenetic location: 1p36.12.
Variant type: single nucleotide variant.
Coding change: c.667C>T on transcript NM_001009999.3 (MANE Select); coding-DNA position 667, C replaced by T.
Protein change: p.Pro223Ser; replaces proline 223 with serine.
Molecular consequence: missense variant.
Genome position (GRCh38, 1-based): chr1:23,050,476, C>T. VCF-style: chr1-23050476-C-T. GRCh37 (hg19) VCF-style: chr1-23376969-C-T.
Other names: c.607C>T, p.Pro203Ser (NM_001363654.2, NM_001410763.1, NM_015013.4); c.667C>T, p.Pro223Ser (NM_001410762.1); short protein forms P223S, P203S.
Identifiers: ClinVar variation 4042049 (VCV004042049.1).